The following is an entry in ClinVar:

NM_001083116.3(PRF1):c.1337A>C (p.Gln446Pro)

Gene: PRF1 (perforin 1; minus strand). Cytogenetic location: 10q22.1.
Variant type: single nucleotide variant.
Coding change: c.1337A>C on transcript NM_001083116.3 (MANE Select); coding-DNA position 1337, A replaced by C.
Protein change: p.Gln446Pro; replaces glutamine 446 with proline.
Molecular consequence: missense variant.
Genome position (GRCh38, 1-based): chr10:70,598,384, T>G on the plus strand (A>C on the coding strand, the complement: PRF1 is on the minus strand). VCF-style: chr10-70598384-T-G. GRCh37 (hg19) VCF-style: chr10-72358140-T-G.
Other names: c.1337A>C, p.Gln446Pro (NM_005041.6); short protein forms Q446P.
Identifiers: ClinVar variation 216986 (VCV000216986.15), dbSNP rs751161742, ClinGen allele CA277492.

ClinVar aggregate classification (germline): Pathogenic/Likely pathogenic. Review status: criteria provided, multiple submitters, no conflicts (2 of 4 stars). 5 submissions from 5 submitters: Pathogenic (2); Likely pathogenic (3). Last evaluated 2025-03-12.

Conditions:
Familial hemophagocytic lymphohistiocytosis 2 (FHL2). Also called: PRF1-Related Familial Hemophagocytic Lymphohistiocytosis (PRF1-fHLH). Identifiers: Orphanet 540, MedGen C1863727, MONDO:0011337, OMIM 603553.
Aplastic anemia. Identifiers: Orphanet 182040, Orphanet 88, MedGen C0002874, MONDO:0015909, OMIM 609135, HP:0001915.

Allele frequency attached by ClinVar (database versions not stated): ExAC 0.00001; gnomAD exomes 0.00001 and 0.00002; TOPMed 0.00003.
gnomAD v4.1: 8 of 1,614,138 alleles (0.0005%); highest among the groups gnomAD compares: Admixed American, 0.0067%; no homozygotes.

Submissions (5):

Myriad Genetics, Inc.
Classification: Likely pathogenic for Familial hemophagocytic lymphohistiocytosis 2. Last evaluated: 2025-03-12. Review status: criteria provided, single submitter. Criteria: Myriad Autosomal Dominant, Autosomal Recessive and X-Linked Classification Criteria (2023). Collection method: clinical testing. Allele origin: unknown.
Comment: NM_001083116.1(PRF1):c.1337A>C(Q446P) is a missense variant classified as likely pathogenic in the context of familial hemophagocytic lymphohistiocytosis, PRF1-related. Q446P has been observed in cases with relevant disease (PMID: 25326637, 32542393, 26450956). Relevant functional assessments of this variant are not available in the literature. Q446P has been observed in referenced population frequency databases. In summary, NM_001083116.1(PRF1):c.1337A>C(Q446P) is a missense variant that has been observed more frequently in cases with the relevant disease than in healthy populations. Please note: this variant was assessed in the context of healthy population screening.

Labcorp Genetics (formerly Invitae), Labcorp
Classification: Pathogenic for Familial hemophagocytic lymphohistiocytosis 2. Last evaluated: 2025-02-17. Review status: criteria provided, single submitter. Criteria: Invitae Variant Classification Sherloc (09022015). Collection method: clinical testing. Allele origin: germline.
Comment: This sequence change replaces glutamine, which is neutral and polar, with proline, which is neutral and non-polar, at codon 446 of the PRF1 protein (p.Gln446Pro). This variant is present in population databases (rs751161742, gnomAD 0.01%). This missense change has been observed in individual(s) with familial hemophagocytic lymphohistiocytosis (PMID: 25326637, 26450956). In at least one individual the data is consistent with being in trans (on the opposite chromosome) from a pathogenic variant. ClinVar contains an entry for this variant (Variation ID: 216986). Invitae Evidence Modeling of protein sequence and biophysical properties (such as structural, functional, and spatial information, amino acid conservation, physicochemical variation, residue mobility, and thermodynamic stability) indicates that this missense variant is expected to disrupt PRF1 protein function with a positive predictive value of 95%. For these reasons, this variant has been classified as Pathogenic.

GeneDx
Classification: Likely pathogenic. Last evaluated: 2024-03-10. Review status: criteria provided, single submitter. Criteria: GeneDx Variant Classification Process June 2021. Collection method: clinical testing. Allele origin: germline. Affected: yes.
Comment: Reported with a second PRF1 variant in patients with familial hemophagocytic lymphohistiocytosis; it is not known if the variants are on the same allele (in cis) or opposite alleles (in trans) (PMID: 26450956); In silico analysis supports that this missense variant has a deleterious effect on protein structure/function; This variant is associated with the following publications: (PMID: 31589614, 25326637, 32542393, 32638196, 34938098, 26450956)

Baylor Genetics
Classification: Pathogenic for Aplastic anemia. Last evaluated: 2023-12-02. Review status: criteria provided, single submitter. Criteria: ACMG Guidelines, 2015. Collection method: clinical testing. Allele origin: unknown.

UCLA Clinical Genomics Center, UCLA
Classification: Likely pathogenic for Hemophagocytic lymphohistiocytosis, familial, 2. Last evaluated: 2014-04-22. Review status: criteria provided, single submitter. Criteria: Lee et al. (JAMA. 2014). Collection method: clinical testing. Allele origin: germline. Inheritance: Autosomal recessive inheritance. Affected: yes. Study: CES.

Literature cited by the submitters: PubMed 25326637 (cited by Myriad Genetics, Inc. and Labcorp Genetics (formerly Invitae), Labcorp); PubMed 26450956 (cited by Myriad Genetics, Inc. and Labcorp Genetics (formerly Invitae), Labcorp); PubMed 32542393 (cited by Myriad Genetics, Inc.).